The following is an entry in ClinVar:

NM_000057.4(BLM):c.2683T>G (p.Cys895Gly)

Gene: BLM (BLM RecQ like helicase; plus strand). Cytogenetic location: 15q26.1.
Variant type: single nucleotide variant.
Coding change: c.2683T>G on transcript NM_000057.4 (MANE Select); coding-DNA position 2683, T replaced by G.
Protein change: p.Cys895Gly; replaces cysteine 895 with glycine.
Molecular consequence: missense variant.
Genome position (GRCh38, 1-based): chr15:90,784,941, T>G. VCF-style: chr15-90784941-T-G. GRCh37 (hg19) VCF-style: chr15-91328171-T-G.
Other names: p.C895G:TGC>GGC; c.2683T>G, p.Cys895Gly (NM_001287246.2, NM_001287247.2); c.1558T>G, p.Cys520Gly (NM_001287248.2); c.2683T>G (LRG_20t1); short protein forms C895G, C520G.
Identifiers: ClinVar variation 127490 (VCV000127490.18), dbSNP rs587779883, ClinGen allele CA287080.

ClinVar aggregate classification (germline): Uncertain significance. Review status: criteria provided, multiple submitters, no conflicts (2 of 4 stars). 3 submissions from 3 submitters: Uncertain significance (3). Last evaluated 2025-11-26.

Conditions:
Hereditary cancer-predisposing syndrome. Also called: Hereditary Cancer Syndrome; Hereditary neoplastic syndrome; Tumor predisposition; Neoplastic Syndromes, Hereditary. Identifiers: Orphanet 140162, MedGen C0027672, MeSH D009386, MONDO:0015356.
Bloom syndrome (BLM). Also called: Bloom-Torre-Machacek syndrome. Identifiers: Orphanet 125, MedGen C0005859, MONDO:0008876, OMIM 210900.

Allele frequency attached by ClinVar (database versions not stated): gnomAD exomes below 0.00001; ExAC 0.00001; TOPMed 0.00001.
gnomAD v4.1: 5 of 1,613,910 alleles (0.00031%); highest among the groups gnomAD compares: African/African-American, 0.0013%; no homozygotes.

Submissions (3):

Labcorp Genetics (formerly Invitae), Labcorp
Classification: Uncertain significance for Bloom syndrome. Last evaluated: 2025-11-26. Review status: criteria provided, single submitter. Criteria: Invitae Variant Classification Sherloc (09022015). Collection method: clinical testing. Allele origin: germline.
Comment: This sequence change replaces cysteine, which is neutral and slightly polar, with glycine, which is neutral and non-polar, at codon 895 of the BLM protein (p.Cys895Gly). This variant is present in population databases (rs587779883, gnomAD 0.0009%). This variant has not been reported in the literature in individuals affected with BLM-related conditions. ClinVar contains an entry for this variant (Variation ID: 127490). Invitae Evidence Modeling of protein sequence and biophysical properties (such as structural, functional, and spatial information, amino acid conservation, physicochemical variation, residue mobility, and thermodynamic stability) indicates that this missense variant is expected to disrupt BLM protein function with a positive predictive value of 80%. In summary, the available evidence is currently insufficient to determine the role of this variant in disease. Therefore, it has been classified as a Variant of Uncertain Significance.

GeneDx
Classification: Uncertain significance. Last evaluated: 2024-07-30. Review status: criteria provided, single submitter. Criteria: GeneDx Variant Classification Process June 2021. Collection method: clinical testing. Allele origin: germline. Affected: yes.
Comment: Not observed at significant frequency in large population cohorts (gnomAD); In silico analysis supports that this missense variant has a deleterious effect on protein structure/function; Has not been previously published as pathogenic or benign to our knowledge; In silico analysis is inconclusive as to whether the variant alters gene splicing. In the absence of RNA/functional studies, the actual effect of this sequence change is unknown.; Cancer risks associated with this variant, and the BLM gene, remain unclear

Ambry Genetics
Classification: Uncertain significance for Hereditary cancer-predisposing syndrome. Last evaluated: 2024-05-17. Review status: criteria provided, single submitter. Criteria: Ambry Variant Classification Scheme 2023. Collection method: clinical testing. Allele origin: germline.
Comment: The p.C895G variant (also known as c.2683T>G), located in coding exon 13 of the BLM gene, results from a T to G substitution at nucleotide position 2683. The cysteine at codon 895 is replaced by glycine, an amino acid with highly dissimilar properties. This amino acid position is highly conserved in available vertebrate species. In addition, this alteration is predicted to be deleterious by in silico analysis. Since supporting evidence is limited at this time, the clinical significance of this alteration remains unclear.